The following is an entry in ClinVar:

ClinVar aggregate classification (germline): Benign/Likely benign. Review status: criteria provided, multiple submitters, no conflicts (2 of 4 stars). 12 submissions from 12 submitters: Benign (9); Likely benign (1). 2 of the submissions do not count toward it. Last evaluated 2026-02-03.

Conditions:
Cardiomyopathy (CMYO). Also called: Cardiomyopathies. Identifiers: Orphanet 167848, MedGen C0878544, MONDO:0004994, HP:0001638. Inheritance: Various modes of inheritance.
Dilated cardiomyopathy 1AA (CMD1AA). Also called: CARDIOMYOPATHY, DILATED, 1AA, WITH OR WITHOUT LEFT VENTRICULAR NONCOMPACTION; CARDIOMYOPATHY, FAMILIAL HYPERTROPHIC, 23, WITH OR WITHOUT LEFT VENTRICULAR NONCOMPACTION; Cardiomyopathy, dilated, 1AA, with or without LVNC. Identifiers: Orphanet 154, MedGen C2677338, MONDO:0012808, OMIM 612158.
Primary familial hypertrophic cardiomyopathy (HCM). Identifiers: Orphanet 99739, MedGen C0949658, MeSH D024741, MONDO:0024573. Inheritance: Various modes of inheritance.

Allele frequency attached by ClinVar (database versions not stated): gnomAD exomes 0.00036 and 0.00101; ExAC 0.00130; gnomAD 0.00398 and 0.00429; 1000 Genomes Project 0.00439; TOPMed 0.00442; 1000 Genomes Project 30x 0.00453; ESP Exome Variant Server 0.00561.
gnomAD v4.1: 1,157 of 1,611,344 alleles (0.072%); highest among the groups gnomAD compares: African/African-American, 1.4%; 9 homozygotes.

Submissions (12):

Labcorp Genetics (formerly Invitae), Labcorp
Classification: Benign for Primary familial hypertrophic cardiomyopathy; Dilated cardiomyopathy 1AA. Last evaluated: 2026-02-03. Review status: criteria provided, single submitter. Criteria: Invitae Variant Classification Sherloc (09022015). Collection method: clinical testing. Allele origin: germline.

Molecular Diagnostic Laboratory for Inherited Cardiovascular Disease, Montreal Heart Institute
Classification: Benign. Last evaluated: 2025-04-09. Review status: criteria provided, single submitter. Criteria: ACMG Guidelines, 2015. Collection method: clinical testing. Allele origin: germline. Affected: no.

Blueprint Genetics
Classification: Likely benign. Last evaluated: 2024-11-13. Review status: criteria provided, single submitter. Criteria: ACMG Guidelines, 2015. Collection method: clinical testing. Allele origin: germline.

ARUP Laboratories, Molecular Genetics and Genomics, ARUP Laboratories
Classification: Benign. Last evaluated: 2023-09-28. Review status: criteria provided, single submitter. Criteria: ARUP Molecular Germline Variant Investigation Process 2024. Collection method: clinical testing. Allele origin: germline.

Mayo Clinic Laboratories, Mayo Clinic
Classification: Benign. Last evaluated: 2023-05-31. Review status: criteria provided, single submitter. Criteria: ACMG Guidelines, 2015. Collection method: clinical testing. Allele origin: germline. Observed: 7 variant alleles.
Comment: BS1, BS2, BP4, BP7

Women's Health and Genetics/Laboratory Corporation of America, LabCorp
Classification: Benign. Last evaluated: 2019-06-24. Review status: criteria provided, single submitter. Criteria: LabCorp Variant Classification Summary - May 2015. Collection method: clinical testing. Allele origin: germline.
Comment: Variant summary: ACTN2 c.536+10C>T alters a non-conserved nucleotide located close to a canonical splice site and therefore could affect mRNA splicing, leading to a significantly altered protein sequence. 5/5 computational tools predict no significant impact on normal splicing. However, these predictions have yet to be confirmed by functional studies. The variant allele was found at a frequency of 0.001 in 251394 control chromosomes, predominantly at a frequency of 0.014 within the African or African-American subpopulation in the gnomAD database, including 3 homozygotes. The observed variant frequency within African or African-American control individuals in the gnomAD database is approximately 560 fold of the estimated maximal expected allele frequency for a pathogenic variant in ACTN2 causing Cardiomyopathy phenotype (2.5e-05), strongly suggesting that the variant is a benign polymorphism found primarily in populations of African or African-American origin. c.536+10C>T has been reported in the literature in individual(s) affected with Hypertrophic Cardiomyopathy (Chiu_2010). This report does not provide unequivocal conclusions about association of the variant with Cardiomyopathy. A co-occurrence with a pathogenic variant has been reported (TTR c.424G>A, p.Val142Ile; LabCorp), providing supporting evidence for a benign role. To our knowledge, no experimental evidence demonstrating an impact on protein function has been reported. Three ClinVar submissions from clinical diagnostic laboratories (evaluation after 2014) cite the variant as benign. Based on the evidence outlined above, the variant was classified as benign.

Genome Diagnostics Laboratory, University Medical Center Utrecht
Classification: Benign for Dilated cardiomyopathy 1AA. Last evaluated: 2016-10-19. Review status: criteria provided, single submitter. Criteria: ACGS Guidelines, 2013. Collection method: clinical testing. Allele origin: germline. Affected: yes. Study: VKGL Data-share Consensus.

CHEO Genetics Diagnostic Laboratory, Children's Hospital of Eastern Ontario
Classification: Benign for Cardiomyopathy. Last evaluated: 2016-06-24. Review status: criteria provided, single submitter. Criteria: ACMG Guidelines, 2015. Collection method: clinical testing. Allele origin: germline. Study: Canadian Open Genetics Repository.

GeneDx
Classification: Benign. Last evaluated: 2014-02-12. Review status: criteria provided, single submitter. Criteria: GeneDx Variant Classification (06012015). Collection method: clinical testing. Allele origin: germline. Affected: yes.
Comment: This variant is considered likely benign or benign based on one or more of the following criteria: it is a conservative change, it occurs at a poorly conserved position in the protein, it is predicted to be benign by multiple in silico algorithms, and/or has population frequency not consistent with disease.

Laboratory for Molecular Medicine, Mass General Brigham Personalized Medicine
Classification: Benign. Last evaluated: 2012-04-10. Review status: criteria provided, single submitter. Criteria: LMM Criteria. Collection method: clinical testing. Allele origin: germline. Observed: 12 variant alleles.
Comment: 536+10C>T in Intron 05 of ACTN2: This variant is not expected to have clinical s ignificance because it is not located within the splice consensus sequence and h as been identified in 1.6% (58/3738) of African American chromosomes from a broa d population by the NHLBI Exome Sequencing Project (/EVS; dbSNP rs141219516).

Clinical Genetics, Academic Medical Center
Classification: Benign. Review status: no assertion criteria provided. Collection method: clinical testing. Allele origin: germline. Affected: yes. Study: VKGL Data-share Consensus. Not counted in ClinVar's aggregate classification.

Diagnostic Laboratory, Department of Genetics, University Medical Center Groningen
Classification: Likely benign for Dilated cardiomyopathy 1AA. Review status: no assertion criteria provided. Collection method: clinical testing. Allele origin: germline. Affected: yes. Study: VKGL Data-share Consensus. Not counted in ClinVar's aggregate classification.

Literature cited by the submitters: PubMed 20022194 (cited by Women's Health and Genetics/Laboratory Corporation of America, LabCorp); PubMed 28878402 (cited by Women's Health and Genetics/Laboratory Corporation of America, LabCorp).

NM_001103.4(ACTN2):c.536+10C>T

Gene: ACTN2 (actinin alpha 2; plus strand). Cytogenetic location: 1q43.
Variant type: single nucleotide variant.
Coding change: c.536+10C>T on transcript NM_001103.4 (MANE Select); 10 bases into the intron after coding-DNA position 536, C replaced by T.
Molecular consequence: intron variant.
Genome position (GRCh38, 1-based): chr1:236,726,030, C>T. VCF-style: chr1-236726030-C-T. GRCh37 (hg19) VCF-style: chr1-236889330-C-T.
Other names: p.?; c.-286+10C>T (NM_001278344.2); c.536+10C>T (NM_001278343.2).
Identifiers: ClinVar variation 43940 (VCV000043940.25), dbSNP rs141219516, ClinGen allele CA133204.